The following is an entry in ClinVar:

NM_006431.3(CCT2):c.1049A>G (p.Glu350Gly)

Gene: CCT2 (chaperonin containing TCP1 subunit 2; plus strand). Cytogenetic location: 12q15.
Variant type: single nucleotide variant.
Coding change: c.1049A>G on transcript NM_006431.3 (MANE Select); coding-DNA position 1049, A replaced by G.
Protein change: p.Glu350Gly; replaces glutamic acid 350 with glycine.
Molecular consequence: missense variant.
Genome position (GRCh38, 1-based): chr12:69,597,222, A>G. VCF-style: chr12-69597222-A-G. GRCh37 (hg19) VCF-style: chr12-69991002-A-G.
Other names: c.908A>G, p.Glu303Gly (NM_001198842.2); short protein forms E350G, E303G.
Identifiers: ClinVar variation 852061 (VCV000852061.9), dbSNP rs1170039850, ClinGen allele CA385730215.
Genomic context (GRCh38, chr12:69,597,222, plus strand): 5'-AAATTGCCTCTACCTTTGATCACCCAGAACTGGTGAAGCTTGGAAGTTGCAAACTTATCG[A>G]GGAAGTCATGATTGGAGAAGACAAACTCATTCACTTTTCTGGGGTTGCCCTTGGTGAGTG-3'
Protein context (NP_006422.1, residues 340-360): LVKLGSCKLI[Glu350Gly]EVMIGEDKLI

ClinVar aggregate classification (germline): Uncertain significance (1 of 4 stars; one submission).

Allele frequency attached by ClinVar (database versions not stated): TOPMed below 0.00001; gnomAD 0.00001; gnomAD exomes 0.00001.
gnomAD v4.1: 11 of 1,613,920 alleles (0.00068%); highest among the groups gnomAD compares: Non-Finnish European, 0.00093%; no homozygotes.

Submission:

Labcorp Genetics (formerly Invitae), Labcorp
Classification: Uncertain significance. Last evaluated: 2022-02-24. Review status: criteria provided, single submitter. Criteria: Invitae Variant Classification Sherloc (09022015). Collection method: clinical testing. Allele origin: germline.
Comment: In summary, the available evidence is currently insufficient to determine the role of this variant in disease. Therefore, it has been classified as a Variant of Uncertain Significance. Algorithms developed to predict the effect of missense changes on protein structure and function are either unavailable or do not agree on the potential impact of this missense change (SIFT: "Deleterious"; PolyPhen-2: "Probably Damaging"; Align-GVGD: "Class C0"). ClinVar contains an entry for this variant (Variation ID: 852061). This variant has not been reported in the literature in individuals affected with CCT2-related conditions. This variant is not present in population databases (gnomAD no frequency). This sequence change replaces glutamic acid, which is acidic and polar, with glycine, which is neutral and non-polar, at codon 350 of the CCT2 protein (p.Glu350Gly).